The following is an entry in ClinVar:

NM_001243133.2(NLRP3):c.1402T>C (p.Cys468Arg)

Gene: NLRP3 (NLR family pyrin domain containing 3; plus strand). Cytogenetic location: 1q44.
Variant type: single nucleotide variant.
Coding change: c.1402T>C on transcript NM_001243133.2 (MANE Select); coding-DNA position 1402, T replaced by C.
Protein change: p.Cys468Arg; replaces cysteine 468 with arginine.
Molecular consequence: missense variant.
Genome position (GRCh38, 1-based): chr1:247,424,851, T>C. VCF-style: chr1-247424851-T-C. GRCh37 (hg19) VCF-style: chr1-247588153-T-C.
Other names: c.1402T>C, p.Cys468Arg (NM_001079821.3, NM_001127461.3, NM_001127462.3 and 1 more transcripts); c.1408T>C, p.Cys470Arg (NM_004895.5); short protein forms C470R, C468R.
Identifiers: ClinVar variation 1369749 (VCV001369749.8), dbSNP rs2103110741, ClinGen allele CA345556804.

ClinVar aggregate classification (germline): Uncertain significance (1 of 4 stars; one submission).

Conditions:
Cryopyrin associated periodic syndrome (CAPS). Identifiers: Orphanet 208650, MedGen C2316212, MONDO:0016168.

Allele frequency attached by ClinVar (database versions not stated): gnomAD exomes below 0.00001.
gnomAD v4.1: 2 of 1,608,272 alleles (0.00012%); highest among the groups gnomAD compares: Non-Finnish European, 0.00017%; no homozygotes.

Submission:

Labcorp Genetics (formerly Invitae), Labcorp
Classification: Uncertain significance for Cryopyrin associated periodic syndrome. Last evaluated: 2021-02-03. Review status: criteria provided, single submitter. Criteria: Invitae Variant Classification Sherloc (09022015). Collection method: clinical testing. Allele origin: germline.
Comment: In summary, the available evidence is currently insufficient to determine the role of this variant in disease. Therefore, it has been classified as a Variant of Uncertain Significance. Advanced modeling of protein sequence and biophysical properties (such as structural, functional, and spatial information, amino acid conservation, physicochemical variation, residue mobility, and thermodynamic stability) performed at Invitae indicates that this missense variant is expected to disrupt NLRP3 protein function. This variant has not been reported in the literature in individuals with NLRP3-related conditions. This variant is not present in population databases (ExAC no frequency). This sequence change replaces cysteine with arginine at codon 470 of the NLRP3 protein (p.Cys470Arg). The cysteine residue is highly conserved and there is a large physicochemical difference between cysteine and arginine.